The following is an entry in ClinVar:

NM_000038.6(APC):c.1510G>A (p.Ala504Thr)

Gene: APC (APC regulator of Wnt signaling pathway; plus strand). Cytogenetic location: 5q22.2.
Variant type: single nucleotide variant.
Coding change: c.1510G>A on transcript NM_000038.6 (MANE Select); coding-DNA position 1510, G replaced by A.
Protein change: p.Ala504Thr; replaces alanine 504 with threonine.
Molecular consequence: missense variant.
Genome position (GRCh38, 1-based): chr5:112,827,209, G>A. VCF-style: chr5-112827209-G-A. GRCh37 (hg19) VCF-style: chr5-112162906-G-A.
Other names: c.1510G>A, p.Ala504Thr (NM_001127510.3, NM_001354895.2); c.1456G>A, p.Ala486Thr (NM_001127511.3); c.1564G>A, p.Ala522Thr (NM_001354896.2); c.1540G>A, p.Ala514Thr (NM_001354897.2); c.1435G>A, p.Ala479Thr (NM_001354898.2); c.1426G>A, p.Ala476Thr (NM_001354899.2); c.1387G>A, p.Ala463Thr (NM_001354900.2); c.1333G>A, p.Ala445Thr (NM_001354901.2); and 5 more; short protein forms A344T, A378T, A445T, A486T, A221T, A403T, A479T, A413T.
Identifiers: ClinVar variation 665475 (VCV000665475.12), dbSNP rs1322313189, ClinGen allele CA16024607.
Genomic context (GRCh38, chr5:112,827,209, plus strand): 5'-GAAATGTATGGGCTTACTAATGACCACTACAGTATTACACTAAGACGATATGCTGGAATG[G>A]CTTTGACAAACTTGACTTTTGGAGATGTAGCCAACAAGGTATGTTTTTATAACATGTATT-3'
Protein context (NP_000029.2, residues 494-514): SITLRRYAGM[Ala504Thr]LTNLTFGDVA

ClinVar aggregate classification (germline): Uncertain significance. Review status: criteria provided, multiple submitters, no conflicts (2 of 4 stars). 3 submissions from 3 submitters: Uncertain significance (3). Last evaluated 2025-04-07.

Conditions:
Hereditary cancer-predisposing syndrome. Also called: Tumor predisposition; Hereditary neoplastic syndrome; Neoplastic Syndromes, Hereditary; Hereditary Cancer Syndrome. Identifiers: Orphanet 140162, MedGen C0027672, MeSH D009386, MONDO:0015356.
Familial adenomatous polyposis 1 (FAP1). Also called: POLYPOSIS, ADENOMATOUS INTESTINAL; FAMILIAL ADENOMATOUS POLYPOSIS 1, ATTENUATED. Identifiers: MedGen C2713442, MONDO:0021056, OMIM 175100. Disease mechanism: loss of function.

Allele frequency attached by ClinVar (database versions not stated): TOPMed below 0.00001; gnomAD 0.00001.
gnomAD v4.1: 4 of 1,613,742 alleles (0.00025%); highest among the groups gnomAD compares: African/African-American, 0.0013%; no homozygotes.

Submissions (3):

Color Diagnostics, LLC DBA Color Health
Classification: Uncertain significance for Hereditary cancer-predisposing syndrome. Last evaluated: 2025-04-07. Review status: criteria provided, single submitter. Criteria: ACMG Guidelines, 2015. Collection method: clinical testing. Allele origin: germline.
Comment: This missense variant replaces alanine with threonine at codon 504 of the APC protein. Computational prediction suggests that this variant may not impact protein structure and function. To our knowledge, functional studies have not been reported for this variant. This variant has not been reported in individuals affected with APC-related disorders in the literature. This variant has not been identified in the general population by the Genome Aggregation Database (gnomAD). The available evidence is insufficient to determine the role of this variant in disease conclusively. Therefore, this variant is classified as a Variant of Uncertain Significance.

Labcorp Genetics (formerly Invitae), Labcorp
Classification: Uncertain significance for Familial adenomatous polyposis 1. Last evaluated: 2024-05-22. Review status: criteria provided, single submitter. Criteria: Invitae Variant Classification Sherloc (09022015). Collection method: clinical testing. Allele origin: germline.
Comment: This sequence change replaces alanine, which is neutral and non-polar, with threonine, which is neutral and polar, at codon 504 of the APC protein (p.Ala504Thr). This variant is not present in population databases (gnomAD no frequency). This variant has not been reported in the literature in individuals affected with APC-related conditions. ClinVar contains an entry for this variant (Variation ID: 665475). Advanced modeling of protein sequence and biophysical properties (such as structural, functional, and spatial information, amino acid conservation, physicochemical variation, residue mobility, and thermodynamic stability) performed at Invitae indicates that this missense variant is not expected to disrupt APC protein function with a negative predictive value of 95%. In summary, the available evidence is currently insufficient to determine the role of this variant in disease. Therefore, it has been classified as a Variant of Uncertain Significance.

Ambry Genetics
Classification: Uncertain significance for Hereditary cancer-predisposing syndrome. Last evaluated: 2023-12-26. Review status: criteria provided, single submitter. Criteria: Ambry Variant Classification Scheme 2023. Collection method: clinical testing. Allele origin: germline.
Comment: The p.A504T variant (also known as c.1510G>A), located in coding exon 11 of the APC gene, results from a G to A substitution at nucleotide position 1510. The alanine at codon 504 is replaced by threonine, an amino acid with similar properties. This amino acid position is highly conserved in available vertebrate species. In addition, in silico predictors for this gene do not accurately predict pathogenicity. Since supporting evidence is limited at this time, the clinical significance of this alteration remains unclear.